The following is an entry in ClinVar:

ClinVar aggregate classification (germline): Uncertain significance (1 of 4 stars; one submission).

Submission:

GeneDx
Classification: Uncertain significance. Last evaluated: 2024-05-16. Review status: criteria provided, single submitter. Criteria: GeneDx Variant Classification Process June 2021. Collection method: clinical testing. Allele origin: germline. Affected: yes.
Comment: Not observed at significant frequency in large population cohorts (gnomAD); Nonsense variant predicted to result in protein truncation or nonsense mediated decay in a gene or region of a gene for which loss of function is not a well-established mechanism of disease; Has not been previously published as pathogenic or benign to our knowledge

NM_017852.5(NLRP2):c.2542G>T (p.Glu848Ter)

Gene: NLRP2 (NLR family pyrin domain containing 2; plus strand). Cytogenetic location: 19q13.42.
Variant type: single nucleotide variant.
Coding change: c.2542G>T on transcript NM_017852.5 (MANE Select); coding-DNA position 2542, G replaced by T.
Protein change: p.Glu848Ter; replaces glutamic acid 848 with a stop codon.
Molecular consequence: nonsense. On other transcripts: non-coding transcript variant (1).
Genome position (GRCh38, 1-based): chr19:54,990,506, G>T. VCF-style: chr19-54990506-G-T. GRCh37 (hg19) VCF-style: chr19-55501874-G-T.
Other names: c.2542G>T, p.Glu848Ter (NM_001174081.3); c.2476G>T, p.Glu826Ter (NM_001174082.3); c.2473G>T, p.Glu825Ter (NM_001174083.2); c.2533G>T, p.Glu845Ter (NM_001348003.2); short protein forms E825*, E826*, E845*, E848*.
Identifiers: ClinVar variation 3377876 (VCV003377876.1).